The following is an entry in ClinVar:

NM_000426.4(LAMA2):c.8276T>G (p.Leu2759Arg)

Genes: LAMA2 (laminin subunit alpha 2; plus strand), LOC126859784 (CDK7 strongly-dependent group 2 enhancer GRCh37_chr6:129822854-129824053; plus strand). Cytogenetic location: 6q22.33.
Variant type: single nucleotide variant.
Coding change: c.8276T>G on transcript NM_000426.4 (MANE Select); coding-DNA position 8276, T replaced by G.
Protein change: p.Leu2759Arg; replaces leucine 2759 with arginine.
Molecular consequence: missense variant.
Genome position (GRCh38, 1-based): chr6:129,502,690, T>G. VCF-style: chr6-129502690-T-G. GRCh37 (hg19) VCF-style: chr6-129823835-T-G.
Other names: c.8264T>G, p.Leu2755Arg (NM_001079823.2); short protein forms L2755R, L2759R.
Identifiers: ClinVar variation 2482794 (VCV002482794.3), dbSNP rs201290833, ClinGen allele CA3994789.
Genomic context (GRCh38, chr6:129,502,690, plus strand): 5'-CCTGTTTTTCTCTCCTGGGTATTTTACAGGGTCCTTGTGCTGCAGAATCAGAACCAGCTC[T>G]TTTGATAGGGAGCAAGCAGTTCGGGCTTTCAAGAAACAGTCACATTGCAATTGCATTTGA-3'
Protein context (NP_000417.3, residues 2749-2769): GPCAAESEPA[Leu2759Arg]LIGSKQFGLS

ClinVar aggregate classification (germline): Uncertain significance. Review status: criteria provided, multiple submitters, no conflicts (2 of 4 stars). 2 submissions from 2 submitters: Uncertain significance (2). Last evaluated 2025-08-11.

Conditions:
LAMA2-related muscular dystrophy (LAMA2-RD). Also called: Laminin alpha 2-related dystrophy. Identifiers: MedGen C5679788, MONDO:0100228.
Inborn genetic diseases. Identifiers: MedGen C0950123, MeSH D030342.

Allele frequency attached by ClinVar (database versions not stated): TOPMed below 0.00001; ExAC 0.00001.
gnomAD v4.1: 10 of 1,613,994 alleles (0.00062%); highest among the groups gnomAD compares: Non-Finnish European, 0.00076%; no homozygotes.

Submissions (2):

Labcorp Genetics (formerly Invitae), Labcorp
Classification: Uncertain significance for LAMA2-related muscular dystrophy. Last evaluated: 2025-08-11. Review status: criteria provided, single submitter. Criteria: Invitae Variant Classification Sherloc (09022015). Collection method: clinical testing. Allele origin: germline.
Comment: This sequence change replaces leucine, which is neutral and non-polar, with arginine, which is basic and polar, at codon 2759 of the LAMA2 protein (p.Leu2759Arg). This variant is present in population databases (rs201290833, gnomAD 0.0009%). This variant has not been reported in the literature in individuals affected with LAMA2-related conditions. ClinVar contains an entry for this variant (Variation ID: 2482794). Invitae Evidence Modeling of protein sequence and biophysical properties (such as structural, functional, and spatial information, amino acid conservation, physicochemical variation, residue mobility, and thermodynamic stability) indicates that this missense variant is not expected to disrupt LAMA2 protein function with a negative predictive value of 95%. In summary, the available evidence is currently insufficient to determine the role of this variant in disease. Therefore, it has been classified as a Variant of Uncertain Significance.

Ambry Genetics
Classification: Uncertain significance for Inborn genetic diseases. Last evaluated: 2023-02-10. Review status: criteria provided, single submitter. Criteria: Ambry Variant Classification Scheme 2023. Collection method: clinical testing. Allele origin: germline.